The following is an entry in ClinVar:

NM_000702.4(ATP1A2):c.1216+5T>G

Gene: ATP1A2 (ATPase Na+/K+ transporting subunit alpha 2; plus strand). Cytogenetic location: 1q23.2.
Variant type: single nucleotide variant.
Coding change: c.1216+5T>G on transcript NM_000702.4 (MANE Select); 5 bases into the intron after coding-DNA position 1216, T replaced by G.
Molecular consequence: intron variant.
Genome position (GRCh38, 1-based): chr1:160,128,855, T>G. VCF-style: chr1-160128855-T-G. GRCh37 (hg19) VCF-style: chr1-160098645-T-G.
Identifiers: ClinVar variation 204870 (VCV000204870.5), dbSNP rs780155641, ClinGen allele CA313245.

ClinVar aggregate classification (germline): Conflicting classifications of pathogenicity. Review status: criteria provided, conflicting classifications (1 of 4 stars). 2 submissions from 2 submitters: Uncertain significance (1); Benign (1). Last evaluated 2026-01-06.

Conditions:
Familial hemiplegic migraine. Identifiers: MedGen C0338484, MONDO:0000700.

Allele frequency attached by ClinVar (database versions not stated): TOPMed 0.00009.
gnomAD v4.1: 48 of 1,613,708 alleles (0.003%); highest among the groups gnomAD compares: Non-Finnish European, 0.0015%; no homozygotes.

Submissions (2):

Labcorp Genetics (formerly Invitae), Labcorp
Classification: Uncertain significance for Familial hemiplegic migraine. Last evaluated: 2026-01-06. Review status: criteria provided, single submitter. Criteria: Invitae Variant Classification Sherloc (09022015). Collection method: clinical testing. Allele origin: germline.
Comment: This sequence change falls in intron 9 of the ATP1A2 gene. It does not directly change the encoded amino acid sequence of the ATP1A2 protein. It affects a nucleotide within the consensus splice site. This variant is present in population databases (rs780155641, gnomAD 0.08%). This variant has not been reported in the literature in individuals affected with ATP1A2-related conditions. ClinVar contains an entry for this variant (Variation ID: 204870). Variants that disrupt the consensus splice site are a relatively common cause of aberrant splicing (PMID: 17576681, 9536098). Algorithms developed to predict the effect of sequence changes on RNA splicing suggest that this variant is not likely to affect RNA splicing. In summary, the available evidence is currently insufficient to determine the role of this variant in disease. Therefore, it has been classified as a Variant of Uncertain Significance.

GeneDx
Classification: Benign. Last evaluated: 2014-06-18. Review status: criteria provided, single submitter. Criteria: GeneDx Variant Classification (06012015). Collection method: clinical testing. Allele origin: germline. Affected: yes.
Comment: This variant is considered likely benign or benign based on one or more of the following criteria: it is a conservative change, it occurs at a poorly conserved position in the protein, it is predicted to be benign by multiple in silico algorithms, and/or has population frequency not consistent with disease.

Literature cited by the submitters: PubMed 17576681 (cited by Labcorp Genetics (formerly Invitae), Labcorp); PubMed 9536098 (cited by Labcorp Genetics (formerly Invitae), Labcorp).